The following is an entry in ClinVar:

NM_000053.4(ATP7B):c.2251G>T (p.Ala751Ser)

Gene: ATP7B (ATPase copper transporting beta; minus strand). Cytogenetic location: 13q14.3.
Variant type: single nucleotide variant.
Coding change: c.2251G>T on transcript NM_000053.4 (MANE Select); coding-DNA position 2251, G replaced by T.
Protein change: p.Ala751Ser; replaces alanine 751 with serine.
Molecular consequence: missense variant. On other transcripts: intron variant (2).
Genome position (GRCh38, 1-based): chr13:51,958,415, C>A on the plus strand (G>T on the coding strand, the complement: ATP7B is on the minus strand). VCF-style: chr13-51958415-C-A. GRCh37 (hg19) VCF-style: chr13-52532551-C-A.
Other names: c.1918G>T, p.Ala640Ser (NM_001243182.2); c.1999G>T, p.Ala667Ser (NM_001330579.2); c.1870-808G>T (NM_001005918.3); c.2122-808G>T (NM_001330578.2); short protein forms A751S, A640S, A667S.
Identifiers: ClinVar variation 556127 (VCV000556127.3), dbSNP rs1555291181, ClinGen allele CA388022276.

ClinVar aggregate classification (germline): Uncertain significance. Review status: criteria provided, single submitter (1 of 4 stars). 2 submissions from 2 submitters: Uncertain significance (1). 1 of the submissions does not count toward it. Last evaluated 2023-02-15.

Conditions:
Wilson disease (WND). Also called: Wilson's disease. Identifiers: Orphanet 905, MedGen C0019202, MONDO:0010200, OMIM 277900. Disease mechanism: loss of function.

gnomAD v4.1: 1 of 1,614,234 alleles (0.000062%); highest among the groups gnomAD compares: South Asian, 0.0011%; no homozygotes.

Submissions (2):

Women's Health and Genetics/Laboratory Corporation of America, LabCorp
Classification: Uncertain significance. Last evaluated: 2023-02-15. Review status: criteria provided, single submitter. Criteria: LabCorp Variant Classification Summary - May 2015. Collection method: clinical testing. Allele origin: germline.
Comment: Variant summary: ATP7B c.2251G>T (p.Ala751Ser) results in a conservative amino acid change in the encoded protein sequence. Three of five in-silico tools predict a damaging effect of the variant on protein function. The variant was absent in 249584 control chromosomes (gnomAD). The available data on variant occurrences in the general population are insufficient to allow any conclusion about variant significance. c.2251G>T has been reported in the literature in individuals affected with Wilson Disease with non informative genotypes (example:Dong_2016 and Li_2021). These report(s) do not provide unequivocal conclusions about association of the variant with Wilson Disease. To our knowledge, no experimental evidence demonstrating an impact on protein function has been reported. One clinical diagnostic laboratory has submitted clinical-significance assessments for this variant to ClinVar after 2014 and classified the variant as uncertain significance. Based on the evidence outlined above, the variant was classified as uncertain significance.

Counsyl
Classification: Uncertain significance for Wilson disease. Last evaluated: 2018-01-15. Review status: no assertion criteria provided. Collection method: clinical testing. Allele origin: unknown. Not counted in ClinVar's aggregate classification.

Literature cited by the submitters: PubMed 27022412 (cited by Women's Health and Genetics/Laboratory Corporation of America, LabCorp and Counsyl); PubMed 34470610 (cited by Women's Health and Genetics/Laboratory Corporation of America, LabCorp).